The following is an entry in ClinVar:

ClinVar aggregate classification (germline): Uncertain significance. Review status: criteria provided, multiple submitters, no conflicts (2 of 4 stars). 3 submissions from 3 submitters: Uncertain significance (3). Last evaluated 2023-03-22.

Allele frequency attached by ClinVar (database versions not stated): gnomAD exomes 0.00002 and 0.00009; TOPMed 0.00006; ExAC 0.00008.
gnomAD v4.1: 27 of 1,612,096 alleles (0.0017%); highest among the groups gnomAD compares: East Asian, 0.058%; no homozygotes.

Submissions (3):

Ambry Genetics
Classification: Uncertain significance. Last evaluated: 2023-03-22. Review status: criteria provided, single submitter. Criteria: Ambry Variant Classification Scheme 2023. Collection method: clinical testing. Allele origin: germline.

Labcorp Genetics (formerly Invitae), Labcorp
Classification: Uncertain significance. Last evaluated: 2022-09-07. Review status: criteria provided, single submitter. Criteria: Invitae Variant Classification Sherloc (09022015). Collection method: clinical testing. Allele origin: germline.
Comment: This variant has not been reported in the literature in individuals affected with KARS-related conditions. This variant is present in population databases (rs752180992, gnomAD 0.1%). This sequence change replaces threonine, which is neutral and polar, with serine, which is neutral and polar, at codon 17 of the KARS protein (p.Thr17Ser). ClinVar contains an entry for this variant (Variation ID: 1682462). In summary, the available evidence is currently insufficient to determine the role of this variant in disease. Therefore, it has been classified as a Variant of Uncertain Significance. Algorithms developed to predict the effect of missense changes on protein structure and function (SIFT, PolyPhen-2, Align-GVGD) all suggest that this variant is likely to be tolerated.

GeneDx
Classification: Uncertain significance. Last evaluated: 2022-07-29. Review status: criteria provided, single submitter. Criteria: GeneDx Variant Classification Process June 2021. Collection method: clinical testing. Allele origin: germline. Affected: yes.
Comment: In silico analysis supports that this missense variant has a deleterious effect on protein structure/function; Has not been previously published as pathogenic or benign to our knowledge

NM_005548.3(KARS1):c.63-2657A>T

Gene: KARS1 (lysyl-tRNA synthetase 1; minus strand). Cytogenetic location: 16q23.1.
Variant type: single nucleotide variant.
Coding change: c.63-2657A>T on transcript NM_005548.3 (MANE Select); 2657 bases into the intron before coding-DNA position 63, A replaced by T.
Molecular consequence: intron variant. On other transcripts: missense variant (1).
Genome position (GRCh38, 1-based): chr16:75,644,380, T>A on the plus strand (A>T on the coding strand, the complement: KARS1 is on the minus strand). VCF-style: chr16-75644380-T-A. GRCh37 (hg19) VCF-style: chr16-75678278-T-A.
Other names: c.49A>T, p.Thr17Ser (NM_001130089.2); c.-406-2657A>T (NM_001378148.1); short protein forms T17S.
Identifiers: ClinVar variation 1682462 (VCV001682462.12), dbSNP rs752180992, ClinGen allele CA8177808.